The following is an entry in ClinVar:

ClinVar aggregate classification (germline): Uncertain significance. Review status: criteria provided, multiple submitters, no conflicts (2 of 4 stars). 2 submissions from 2 submitters: Uncertain significance (2). Last evaluated 2025-08-03.

Conditions:
Cardiovascular phenotype. Identifiers: MedGen CN230736.

Submissions (2):

Ambry Genetics
Classification: Uncertain significance for Cardiovascular phenotype. Last evaluated: 2025-08-03. Review status: criteria provided, single submitter. Criteria: Ambry Variant Classification Scheme 2023. Collection method: clinical testing. Allele origin: germline.
Comment: The p.P717L variant (also known as c.2150C>T), located in coding exon 16 of the TRPM4 gene, results from a C to T substitution at nucleotide position 2150. The proline at codon 717 is replaced by leucine, an amino acid with similar properties. This amino acid position is conserved. In addition, this alteration is predicted to be tolerated by in silico analysis. Based on the available evidence, the clinical significance of this variant remains unclear.

Greenwood Genetic Center Diagnostic Laboratories, Greenwood Genetic Center
Classification: Uncertain significance. Last evaluated: 2025-06-26. Review status: criteria provided, single submitter. Criteria: ACMG Guidelines, 2015. Collection method: clinical testing. Allele origin: germline. Affected: yes.
Comment: PM2, BP4

NM_017636.4(TRPM4):c.2150C>T (p.Pro717Leu)

Gene: TRPM4 (transient receptor potential cation channel subfamily M member 4; plus strand). Cytogenetic location: 19q13.33.
Variant type: single nucleotide variant.
Coding change: c.2150C>T on transcript NM_017636.4 (MANE Select); coding-DNA position 2150, C replaced by T.
Protein change: p.Pro717Leu; replaces proline 717 with leucine.
Molecular consequence: missense variant.
Genome position (GRCh38, 1-based): chr19:49,190,713, C>T. VCF-style: chr19-49190713-C-T. GRCh37 (hg19) VCF-style: chr19-49693970-C-T.
Other names: c.2150C>T, p.Pro717Leu (NM_001195227.2); c.1805C>T, p.Pro602Leu (NM_001321281.2); c.542C>T, p.Pro181Leu (NM_001321282.2); c.1628C>T, p.Pro543Leu (NM_001321283.2); c.1088C>T, p.Pro363Leu (NM_001321285.2); short protein forms P363L, P717L, P181L, P543L, P602L.
Identifiers: ClinVar variation 4191757 (VCV004191757.2).